The following is an entry in ClinVar:

NM_004960.4(FUS):c.*131C>T

Gene: FUS (FUS RNA binding protein; plus strand). Cytogenetic location: 16p11.2.
Variant type: single nucleotide variant.
Coding change: c.*131C>T on transcript NM_004960.4 (MANE Select); 131 bases downstream of the stop codon, C replaced by T.
Molecular consequence: 3 prime UTR variant. On other transcripts: non-coding transcript variant (1).
Genome position (GRCh38, 1-based): chr16:31,191,569, C>T. VCF-style: chr16-31191569-C-T. GRCh37 (hg19) VCF-style: chr16-31202890-C-T.
Other names: c.*131C>T (NM_001170634.1, NM_001170937.1).
Identifiers: ClinVar variation 4977218 (VCV004977218.1).

ClinVar aggregate classification (germline): Likely benign (1 of 4 stars; one submission).

Conditions:
FUS-related disorder. Also called: FUS-related condition.

Submission:

PreventionGenetics, part of Exact Sciences
Classification: Likely benign for FUS-related condition. Last evaluated: 2026-07-24. Review status: criteria provided, single submitter. Criteria: ACMG Guidelines, 2015. Collection method: clinical testing. Allele origin: germline.
Comment: This variant is classified as likely benign based on ACMG/AMP sequence variant interpretation guidelines (Richards et al. 2015 PMID: 25741868, with internal and published modifications).